The following is an entry in ClinVar:

ClinVar aggregate classification (germline): Likely pathogenic (1 of 4 stars; one submission).

Submission:

Dasa
Classification: Likely pathogenic. Last evaluated: 2025-09-24. Review status: criteria provided, single submitter. Criteria: DASA Assertion Criteria. Collection method: clinical testing. Allele origin: germline.
Comment: NM_001039469.3(MARK2):c.1996G>T (p.Glu666*) is a nonsense variant in MARK2 predicted to introduce a premature termination codon and is predicted to result in an absent or altered protein product. Loss of function is an established disease mechanism for MARK2-associated disorders. Also, this variant is rare in population databases. Based on the currently available evidence, this variant is classified as likely pathogenic.

NM_001039469.3(MARK2):c.1996G>T (p.Glu666Ter)

Gene: MARK2 (microtubule affinity regulating kinase 2; plus strand). Cytogenetic location: 11q13.1.
Variant type: single nucleotide variant.
Coding change: c.1996G>T on transcript NM_001039469.3 (MANE Select); coding-DNA position 1996, G replaced by T.
Protein change: p.Glu666Ter; replaces glutamic acid 666 with a stop codon.
Molecular consequence: nonsense. On other transcripts: intron variant (2).
Genome position (GRCh38, 1-based): chr11:63,908,294, G>T. VCF-style: chr11-63908294-G-T. GRCh37 (hg19) VCF-style: chr11-63675766-G-T.
Other names: c.1804G>T, p.Glu602Ter (NM_004954.5); c.1867G>T, p.Glu623Ter (NM_017490.4); c.1800-583G>T (NM_001163296.2); c.1770-583G>T (NM_001163297.2); short protein forms E602*, E623*, E666*.
Identifiers: ClinVar variation 4885952 (VCV004885952.2).